The following is an entry in ClinVar:

NM_001367943.1(TCF7L2):c.288G>T (p.Lys96Asn)

Gene: TCF7L2 (transcription factor 7 like 2; plus strand). Cytogenetic location: 10q25.2.
Variant type: single nucleotide variant.
Coding change: c.288G>T on transcript NM_001367943.1 (MANE Select); coding-DNA position 288, G replaced by T.
Protein change: p.Lys96Asn; replaces lysine 96 with asparagine.
Molecular consequence: missense variant.
Genome position (GRCh38, 1-based): chr10:112,951,514, G>T. VCF-style: chr10-112951514-G-T. GRCh37 (hg19) VCF-style: chr10-114711273-G-T.
Other names: NM_001363501.2:c.288G>T; c.288G>T, p.Lys96Asn (NM_001363501.2, NM_030756.5, NM_001146274.2 and 11 more transcripts); short protein forms K96N.
Identifiers: ClinVar variation 2674594 (VCV002674594.1), dbSNP rs766204038, ClinGen allele CA378531945.

ClinVar aggregate classification (germline): Uncertain significance (1 of 4 stars; one submission).

Conditions:
Intellectual disability. Also called: Intellectual functioning disability; intellectual disabilities; Intellectual developmental disorder. Identifiers: MedGen C3714756, MeSH D008607, MONDO:0001071, HP:0001249.

Submission:

Broad Center for Mendelian Genomics, Broad Institute of MIT and Harvard
Classification: Uncertain significance for Intellectual disability. Last evaluated: 2023-12-21. Review status: criteria provided, single submitter. Criteria: ACMG Guidelines, 2015. Collection method: curation. Allele origin: germline. Study: GREGoR Consortium.
Comment: While this gene is still lacking sufficient evidence to establish a gene-disease relationship, we believe this is a possible novel gene candidate for severe intellectual disability and severe scoliosis. Given the limited information about this gene-disease relationship, the significance of the p.Lys96Asn variant is uncertain. If you have any additional information about functional evidence or other individuals with this phenotype that also have variants in TCF7L2 we encourage you to reach out to us.